The following is an entry in ClinVar:

NM_001003699.4(RREB1):c.3349_3357del (p.Pro1117_Ala1119del)

Gene: RREB1 (ras responsive element binding protein 1; plus strand). Cytogenetic location: 6p24.3.
Variant type: Deletion.
Coding change: c.3349_3357del on transcript NM_001003699.4 (MANE Select); coding-DNA positions 3349 to 3357, 9 bases deleted (CCCGCTGCC; older notation c.3349_3357delCCCGCTGCC).
Protein change: p.Pro1117_Ala1119del.
Molecular consequence: inframe deletion.
Genome position (GRCh38, 1-based): chr6:7,231,448-7,231,456, CCCGCTGCC deleted; deleting any 9 consecutive bases within chr6:7,231,446-7,231,456 gives the same sequence; the c. name uses the placement nearest the transcript's 3' end. VCF-style (leftmost placement, unchanged base first): chr6-7231445-ACCCCCGCTG-A. GRCh37 (hg19) VCF-style: chr6-7231678-ACCCCCGCTG-A.
Other names: c.3349_3357del, p.Pro1117_Ala1119del (NM_001003698.4, NM_001003700.2, NM_001168344.2); c.3349_3357del9 (NM_001003699.3).
Identifiers: ClinVar variation 3905111 (VCV003905111.11).
Genomic context (GRCh38, chr6:7,231,445, plus strand): 5'-AGTAACACCACGGCTTCAGACAGCTTAGGAGGTTCTGTCCCCAAAGCCGCCACCACCGCC[ACCCCCGCTG>A]CCACCACCAGCCCAAAAGAGTCTAGTGAGCCTCCCGCTCCAGCCAGCAGCCCAGAGGCTG-3'

ClinVar aggregate classification (germline): Likely benign. Review status: criteria provided, multiple submitters, no conflicts (2 of 4 stars). 2 submissions from 2 submitters: Likely benign (2). Last evaluated 2026-07-10.

Conditions:
RREB1-related disorder. Also called: RREB1-related condition.

Submissions (2):

PreventionGenetics, part of Exact Sciences
Classification: Likely benign for RREB1-related condition. Last evaluated: 2026-07-10. Review status: criteria provided, single submitter. Criteria: ACMG Guidelines, 2015. Collection method: clinical testing. Allele origin: germline.
Comment: This variant is classified as likely benign based on ACMG/AMP sequence variant interpretation guidelines (Richards et al. 2015 PMID: 25741868, with internal and published modifications).

CeGaT Center for Human Genetics Tuebingen
Classification: Likely benign. Last evaluated: 2025-04-01. Review status: criteria provided, single submitter. Criteria: CeGaT Center For Human Genetics Tuebingen Variant Classification Criteria Version 2. Collection method: clinical testing. Allele origin: germline. Affected: yes. Observed: 1 variant allele.
Comment: RREB1: PM4, BS1